The following is an entry in ClinVar:

ClinVar aggregate classification (germline): Uncertain significance (1 of 4 stars; one submission).

Conditions:
AFF2-related disorder. Also called: AFF2-related condition.

Submission:

PreventionGenetics, part of Exact Sciences
Classification: Uncertain significance for AFF2-related condition. Last evaluated: 2025-07-09. Review status: criteria provided, single submitter. Criteria: ACMG Guidelines, 2015. Collection method: clinical testing. Allele origin: germline.
Comment: The AFF2 c.3337A>G variant is predicted to result in the amino acid substitution p.Met1113Val. To our knowledge, this variant has not been reported in the literature or in a large population database (gnomAD), indicating this variant is rare. At this time, the clinical significance of this variant is uncertain due to the absence of conclusive functional and genetic evidence.

NM_002025.4(AFF2):c.3337A>G (p.Met1113Val)

Gene: AFF2 (ALF transcription elongation factor 2; plus strand). Cytogenetic location: Xq28.
Variant type: single nucleotide variant.
Coding change: c.3337A>G on transcript NM_002025.4 (MANE Select); coding-DNA position 3337, A replaced by G.
Protein change: p.Met1113Val; replaces methionine 1113 with valine.
Molecular consequence: missense variant.
Genome position (GRCh38, 1-based): chrX:148,973,540, A>G. VCF-style: chrX-148973540-A-G. GRCh37 (hg19) VCF-style: chrX-148055070-A-G.
Other names: c.3232A>G, p.Met1078Val (NM_001169122.2, NM_001169124.2); c.3307A>G, p.Met1103Val (NM_001169123.2); c.3220A>G, p.Met1074Val (NM_001169125.2); c.2260A>G, p.Met754Val (NM_001170628.1); short protein forms M1078V, M1074V, M1103V, M1113V, M754V.
Identifiers: ClinVar variation 4999900 (VCV004999900.1).